The following is an entry in ClinVar:

NM_000518.5(HBB):c.316-143A>G

Genes: HBB (hemoglobin subunit beta; minus strand), LOC107133510 (origin of replication at HBB; plus strand), LOC110006319 (beta-globin gene 3' regulatory region; plus strand). Cytogenetic location: 11p15.4.
Variant type: single nucleotide variant.
Coding change: c.316-143A>G on transcript NM_000518.5 (MANE Select); 143 bases into the intron before coding-DNA position 316, A replaced by G.
Molecular consequence: intron variant.
Genome position (GRCh38, 1-based): chr11:5,225,869, T>C on the plus strand (A>G on the coding strand, the complement: HBB is on the minus strand). VCF-style: chr11-5225869-T-C. GRCh37 (hg19) VCF-style: chr11-5247099-T-C.
Identifiers: ClinVar variation 1579049 (VCV001579049.9), dbSNP rs1589891738, ClinGen allele CA1949565804.

ClinVar aggregate classification (germline): Likely benign. Review status: criteria provided, multiple submitters, no conflicts (2 of 4 stars). 2 submissions from 2 submitters: Likely benign (2). Last evaluated 2024-05-24.

Conditions:
beta Thalassemia (BTHAL). Also called: Cooley's anemia; Erythroblastic anemia; Mediterranean anemia. Identifiers: Orphanet 848, MedGen C0005283, MONDO:0019402. Disease mechanism: loss of function.

Allele frequency attached by ClinVar (database versions not stated): gnomAD exomes 0.00001.

Submissions (2):

Genetics Laboratory, Al-Manara University for Medical Sciences
Classification: Likely benign for beta Thalassemia. Last evaluated: 2024-05-24. Review status: criteria provided, single submitter. Criteria: ACMG Guidelines, 2015. Collection method: research. Allele origin: germline.
Comment: The HBB:c.316-143A>G (IVS-II-708A>G) variant in the HBB gene (NM_000518.5), located in intron 2, splice distance about -143 bases to the nearest splice site. This variant meets criteria to be classified as likely benign for beta thalassemia according to ACMG/AMP criteria applied: BP4_Moderate, BP6_Supporting, and PM2_Supporting. ClinVar has reported this variant as likely benign (Accessions: SCV002379370.4).

Labcorp Genetics (formerly Invitae), Labcorp
Classification: Likely benign. Last evaluated: 2021-08-19. Review status: criteria provided, single submitter. Criteria: Invitae Variant Classification Sherloc (09022015). Collection method: clinical testing. Allele origin: germline.